The following is an entry in ClinVar:

NM_000268.4(NF2):c.1575A>G (p.Lys525=)

Gene: NF2 (NF2, moesin-ezrin-radixin like (MERLIN) tumor suppressor; plus strand). Cytogenetic location: 22q12.2.
Variant type: single nucleotide variant.
Coding change: c.1575A>G on transcript NM_000268.4 (MANE Select); coding-DNA position 1575, A replaced by G.
Protein change: p.Lys525=; no amino-acid change (lysine 525 retained).
Molecular consequence: synonymous variant. On other transcripts: non-coding transcript variant (1), intron variant (1).
Genome position (GRCh38, 1-based): chr22:29,681,439, A>G. VCF-style: chr22-29681439-A-G. GRCh37 (hg19) VCF-style: chr22-30077428-A-G.
Other names: c.1575A>G, p.Lys525= (NM_016418.5, NM_181825.3, NM_181832.3); c.1449A>G, p.Lys483= (NM_181828.3); c.1452A>G, p.Lys484= (NM_181829.3); c.1326A>G, p.Lys442= (NM_181830.3, NM_181831.3); c.448-13313A>G (NM_181833.3).
Identifiers: ClinVar variation 412214 (VCV000412214.10), dbSNP rs1060503673, ClinGen allele CA16616591.
Genomic context (GRCh38, chr22:29,681,439, plus strand): 5'-ACCTGAGCCGTGTCTCACTGTCTGCCCAAGCCCTGATGCATGATACCCTCTTGCCGGCAG[A>G]GTGGAATACATGGAAAAGAGCAAGCATCTGCAGGAGCAGCTCAATGAACTCAAGACAGAA-3'
Protein context (NP_000259.1, residues 515-535): KRLSMEIEKE[Lys525=]VEYMEKSKHL

ClinVar aggregate classification (germline): Uncertain significance (1 of 4 stars; one submission).

Conditions:
Neurofibromatosis, type 2 (SWNV). Also called: SCHWANNOMATOSIS, VESTIBULAR; NF2-Related Schwannomatosis; BILATERAL ACOUSTIC NEUROFIBROMATOSIS. Identifiers: Orphanet 637, MedGen C0027832, MONDO:0007039, OMIM 101000. Disease mechanism: loss of function.

gnomAD v4.1: 1 of 1,614,008 alleles (0.000062%); no homozygotes.

Submission:

Labcorp Genetics (formerly Invitae), Labcorp
Classification: Uncertain significance for Neurofibromatosis, type 2. Last evaluated: 2021-08-27. Review status: criteria provided, single submitter. Criteria: Invitae Variant Classification Sherloc (09022015). Collection method: clinical testing. Allele origin: germline.
Comment: In summary, the available evidence is currently insufficient to determine the role of this variant in disease. Therefore, it has been classified as a Variant of Uncertain Significance. This variant has not been reported in the literature in individuals with NF2-related disease. ClinVar contains an entry for this variant (Variation ID: 412214). This variant is not present in population databases (ExAC no frequency). This sequence change affects codon 525 of the NF2 mRNA. It is a 'silent' change, meaning that it does not change the encoded amino acid sequence of the NF2 protein.